The following is an entry in ClinVar:

ClinVar aggregate classification (germline): Uncertain significance (1 of 4 stars; one submission).

Conditions:
Neurodevelopmental disorder with hypotonia, impaired speech, and behavioral abnormalities (NEDHISB). Also called: GNAI1-Related Neurodevelopmental Disorder. Identifiers: MedGen C5676975, MONDO:0859243, OMIM 619854.

gnomAD v4.1: 2 of 1,607,920 alleles (0.00012%); highest among the groups gnomAD compares: Non-Finnish European, 0.000085%; no homozygotes.

Submission:

3billion
Classification: Uncertain significance for Neurodevelopmental disorder with hypotonia, impaired speech, and behavioral abnormalities. Last evaluated: 2025-12-16. Review status: criteria provided, single submitter. Criteria: ACMG Guidelines, 2015. Collection method: clinical testing. Allele origin: germline. Affected: yes.
Comment: The variant is observed at an extremely low frequency in the gnomAD v4.1.0 dataset (total allele frequency: <0.001%). Predicted Consequence/Location: Missense variant. Missense changes are a common disease-causing mechanism. In silico tool predictions suggest damaging effect of the variant on gene or gene product [REVEL: 0.95 (>=0.6, sensitivity 0.68 and specificity 0.92); 3Cnet: 0.91 (> 0.75, sensitivity 0.96 and precision 0.92)]. The same nucleotide change resulting in the same amino acid change has been previously reported to be associated with GNAI1-related disorder (ClinVar ID: VCV003775504 /3billion dataset). Different missense changes at the same codon (p.Thr48Ile, p.Thr48Lys, p.Thr48Pro) have been reported as pathogenic/likely pathogenic with strong evidence (ClinVar ID: VCV000873455, VCV001172689 /PMID: 33473207). However, the evidence of pathogenicity is insufficient at this time. Therefore, this variant is classified as VUS according to the recommendation of ACMG/AMP guideline.

Literature cited by the submitters: PubMed 33473207.

NM_002069.6(GNAI1):c.142A>G (p.Thr48Ala)

Gene: GNAI1 (G protein subunit alpha i1; plus strand). Cytogenetic location: 7q21.11.
Variant type: single nucleotide variant.
Coding change: c.142A>G on transcript NM_002069.6 (MANE Select); coding-DNA position 142, A replaced by G.
Protein change: p.Thr48Ala; replaces threonine 48 with alanine.
Molecular consequence: missense variant. On other transcripts: 5 prime UTR variant (1).
Genome position (GRCh38, 1-based): chr7:80,188,974, A>G. VCF-style: chr7-80188974-A-G. GRCh37 (hg19) VCF-style: chr7-79818290-A-G.
Other names: c.-15A>G (NM_001256414.2); short protein forms T48A.
Identifiers: ClinVar variation 3775504 (VCV003775504.2).